The following is an entry in ClinVar:

ClinVar aggregate classification (germline): Uncertain significance (1 of 4 stars; one submission).

Conditions:
Mitochondrial trifunctional protein deficiency. Identifiers: Orphanet 746, MedGen C1969443, MONDO:0012172.

Allele frequency attached by ClinVar (database versions not stated): gnomAD exomes below 0.00001; gnomAD 0.00001; TOPMed 0.00001; ESP Exome Variant Server 0.00008.

Submission:

Labcorp Genetics (formerly Invitae), Labcorp
Classification: Uncertain significance for Mitochondrial trifunctional protein deficiency. Last evaluated: 2022-05-16. Review status: criteria provided, single submitter. Criteria: Invitae Variant Classification Sherloc (09022015). Collection method: clinical testing. Allele origin: germline.
Comment: This sequence change replaces leucine, which is neutral and non-polar, with proline, which is neutral and non-polar, at codon 239 of the HADHB protein (p.Leu239Pro). This variant is not present in population databases (gnomAD no frequency). This variant has not been reported in the literature in individuals affected with HADHB-related conditions. Algorithms developed to predict the effect of missense changes on protein structure and function (SIFT, PolyPhen-2, Align-GVGD) all suggest that this variant is likely to be tolerated. In summary, the available evidence is currently insufficient to determine the role of this variant in disease. Therefore, it has been classified as a Variant of Uncertain Significance.

NM_000183.3(HADHB):c.716T>C (p.Leu239Pro)

Gene: HADHB (hydroxyacyl-CoA dehydrogenase trifunctional multienzyme complex subunit beta; plus strand). Cytogenetic location: 2p23.3.
Variant type: single nucleotide variant.
Coding change: c.716T>C on transcript NM_000183.3 (MANE Select); coding-DNA position 716, T replaced by C.
Protein change: p.Leu239Pro; replaces leucine 239 with proline.
Molecular consequence: missense variant.
Genome position (GRCh38, 1-based): chr2:26,279,220, T>C. VCF-style: chr2-26279220-T-C. GRCh37 (hg19) VCF-style: chr2-26502088-T-C.
Other names: c.671T>C, p.Leu224Pro (NM_001281512.2); c.650T>C, p.Leu217Pro (NM_001281513.2); short protein forms L217P, L224P, L239P.
Identifiers: ClinVar variation 1936012 (VCV001936012.2), dbSNP rs140128759, ClinGen allele CA44336501.